The following is an entry in ClinVar:

ClinVar aggregate classification (germline): Pathogenic (1 of 4 stars; one submission).

Submission:

Labcorp Genetics (formerly Invitae), Labcorp
Classification: Pathogenic. Last evaluated: 2022-05-12. Review status: criteria provided, single submitter. Criteria: Invitae Variant Classification Sherloc (09022015). Collection method: clinical testing. Allele origin: germline.
Comment: This variant is a complex rearrangement of the genomic region encompassing exons 1-41 of the POLE gene, which includes the initiator codon. Although the exact nature of the event is unknown, it likely involves the deletion of exons 1-9 and 17-41 and possibly an inversion of exons 10-16. The 5' end of this event is unknown as it extends beyond the assayed region for this gene and therefore may encompass additional genes. The 3' boundary is likely confined to intron 41 of the POLE gene. It is expected to result in an absent or disrupted protein product. Loss-of-function variants in POLE are known to be pathogenic (PMID: 23230001, 25948378, 30503519). This variant has not been reported in the literature in individuals affected with POLE-related conditions. For these reasons, this variant has been classified as Pathogenic.

Literature cited by the submitters: PubMed 23230001; PubMed 25948378; PubMed 30503519.

NC_000012.11:g.(?_133214430)_(133264149_?)del

Gene: POLE (DNA polymerase epsilon, catalytic subunit; minus strand). Cytogenetic location: 12q24.33.
Variant type: Deletion.
Identifiers: ClinVar variation 1446479 (VCV001446479.7).